The following is an entry in ClinVar:

ClinVar aggregate classification (germline): Uncertain significance (1 of 4 stars; one submission).

Submission:

GeneDx
Classification: Uncertain significance. Last evaluated: 2025-01-07. Review status: criteria provided, single submitter. Criteria: GeneDx Variant Classification Process June 2021. Collection method: clinical testing. Allele origin: germline. Affected: yes.
Comment: Not observed at significant frequency in large population cohorts (gnomAD); Initiation codon variant in a gene for which loss-of-function is not an established mechanism of disease; Has not been previously published as pathogenic or benign to our knowledge

NM_001135649.3(FOXI3):c.2T>G (p.Met1Arg)

Gene: FOXI3 (forkhead box I3; minus strand). Cytogenetic location: 2p11.2.
Variant type: single nucleotide variant.
Coding change: c.2T>G on transcript NM_001135649.3 (MANE Select); coding-DNA position 2, T replaced by G.
Protein change: p.Met1Arg; changes the start codon (methionine 1).
Molecular consequence: missense variant, initiator codon variant.
Genome position (GRCh38, 1-based): chr2:88,452,534, A>C on the plus strand (T>G on the coding strand, the complement: FOXI3 is on the minus strand). VCF-style: chr2-88452534-A-C. GRCh37 (hg19) VCF-style: chr2-88752052-A-C.
Other names: short protein forms M1R.
Identifiers: ClinVar variation 4057047 (VCV004057047.1).
Genomic context (GRCh38, chr2:88,452,534, plus strand): 5'-GCGGGCGGGGGCAGGCCGGGCTGCGAATACACTCCGAAGTTGTCGCCGCAGTAGAGGGCC[A>C]TGTCGGCGGCCGTGGGCGGCTGCGGCGCGGCCGCGGCGAGGGGCGAGCGGGGCTGGTCTC-3'
Protein context (NP_001129121.1, residues 1-11): [Met1Arg]ALYCGDNFGV